The following is an entry in ClinVar:

ClinVar aggregate classification (germline): Benign (0 of 4 stars; one submission).

Conditions:
CPZ-related disorder. Also called: CPZ-related condition.

Allele frequency attached by ClinVar (database versions not stated): 1000 Genomes Project 0.08107; ESP Exome Variant Server 0.09811; TOPMed 0.10536; gnomAD 0.11990; ExAC 0.30579.
gnomAD v4.1: 234,467 of 1,460,180 alleles (16%); highest among the groups gnomAD compares: Non-Finnish European, 18%; 20,296 homozygotes.

Submission:

PreventionGenetics, part of Exact Sciences
Classification: Benign for CPZ-related condition. Last evaluated: 2019-12-13. Review status: no assertion criteria provided. Collection method: clinical testing. Allele origin: germline.
Comment: This variant is classified as benign based on ACMG/AMP sequence variant interpretation guidelines (Richards et al. 2015 PMID: 25741868, with internal and published modifications).

NM_001014447.3(CPZ):c.12G>C (p.Pro4=)

Gene: CPZ (carboxypeptidase Z; plus strand). Cytogenetic location: 4p16.1.
Variant type: single nucleotide variant.
Coding change: c.12G>C on transcript NM_001014447.3 (MANE Select); coding-DNA position 12, G replaced by C.
Protein change: p.Pro4=; no amino-acid change (proline 4 retained).
Molecular consequence: synonymous variant. On other transcripts: 5 prime UTR variant (1).
Genome position (GRCh38, 1-based): chr4:8,592,845, G>C. VCF-style: chr4-8592845-G-C. GRCh37 (hg19) VCF-style: chr4-8594572-G-C.
Other names: c.-663G>C (NM_001014448.3); c.12G>C, p.Pro4= (NM_003652.4).
Identifiers: ClinVar variation 3056417 (VCV003056417.2), dbSNP rs76756393, ClinGen allele CA2852942.